The following is an entry in ClinVar:

NM_002471.4(MYH6):c.4359+4G>T

Gene: MYH6 (myosin heavy chain 6; minus strand). Cytogenetic location: 14q11.2.
Variant type: single nucleotide variant.
Coding change: c.4359+4G>T on transcript NM_002471.4 (MANE Select); 4 bases into the intron after coding-DNA position 4359, G replaced by T.
Molecular consequence: intron variant.
Genome position (GRCh38, 1-based): chr14:23,388,151, C>A on the plus strand (G>T on the coding strand, the complement: MYH6 is on the minus strand). VCF-style: chr14-23388151-C-A. GRCh37 (hg19) VCF-style: chr14-23857360-C-A.
Identifiers: ClinVar variation 4114844 (VCV004114844.1).

ClinVar aggregate classification (germline): Uncertain significance (1 of 4 stars; one submission).

Conditions:
Cardiovascular phenotype. Identifiers: MedGen CN230736.

Submission:

Ambry Genetics
Classification: Uncertain significance for Cardiovascular phenotype. Last evaluated: 2025-09-08. Review status: criteria provided, single submitter. Criteria: Ambry Variant Classification Scheme 2023. Collection method: clinical testing. Allele origin: germline.
Comment: The c.4359+4G>T intronic variant results from a G to T substitution 4 nucleotides after coding exon 28 in the MYH6 gene. This nucleotide position is not well conserved in available vertebrate species. In silico splice site analysis predicts that this alteration will result in the creation or strengthening of a novel splice donor site. Based on the available evidence, the clinical significance of this variant remains unclear.